The following is an entry in ClinVar:

ClinVar aggregate classification (germline): Likely pathogenic. Review status: criteria provided, multiple submitters, no conflicts (2 of 4 stars). 2 submissions from 2 submitters: Likely pathogenic (2). Last evaluated 2022-08-22.

Conditions:
Primary ciliary dyskinesia. Also called: Ciliary dyskinesia. Identifiers: Orphanet 244, MedGen C0008780, MONDO:0016575, HP:0012265.

Submissions (2):

Labcorp Genetics (formerly Invitae), Labcorp
Classification: Likely pathogenic for Primary ciliary dyskinesia. Last evaluated: 2022-08-22. Review status: criteria provided, single submitter. Criteria: Invitae Variant Classification Sherloc (09022015). Collection method: clinical testing. Allele origin: germline.
Comment: In summary, the currently available evidence indicates that the variant is pathogenic, but additional data are needed to prove that conclusively. Therefore, this variant has been classified as Likely Pathogenic. Algorithms developed to predict the effect of sequence changes on RNA splicing suggest that this variant may disrupt the consensus splice site. Disruption of this splice site has been observed in individual(s) with clinical features of retinitis pigmentosa (Invitae). This variant is not present in population databases (gnomAD no frequency). This sequence change affects a splice site in intron 6 of the RPGR gene. It is expected to disrupt RNA splicing. Variants that disrupt the donor or acceptor splice site typically lead to a loss of protein function (PMID: 16199547), and loss-of-function variants in RPGR are known to be pathogenic (PMID: 16055928, 16969763).

PreventionGenetics, part of Exact Sciences
Classification: Likely pathogenic. Last evaluated: 2019-04-22. Review status: criteria provided, single submitter. Criteria: ACMG Guidelines, 2015. Collection method: clinical testing. Allele origin: germline.

Literature cited by the submitters: PubMed 16199547 (cited by Labcorp Genetics (formerly Invitae), Labcorp); PubMed 16055928 (cited by Labcorp Genetics (formerly Invitae), Labcorp); PubMed 16969763 (cited by Labcorp Genetics (formerly Invitae), Labcorp).

NM_001034853.2(RPGR):c.619+2_619+5del

Gene: RPGR (retinitis pigmentosa GTPase regulator; minus strand). Cytogenetic location: Xp11.4.
Variant type: Deletion.
Coding change: c.619+2_619+5del on transcript NM_001034853.2 (MANE Select); the canonical splice donor site of the intron after coding-DNA position 619 through 5 bases into the intron after coding-DNA position 619, 4 bases deleted (TAAG; older notation c.619+2_619+5delTAAG).
Molecular consequence: splice donor variant.
Genome position (GRCh38, 1-based): chrX:38,317,311-38,317,314, CTTA deleted on the plus strand (TAAG on the coding strand, the reverse complement: RPGR is on the minus strand); deleting any 4 consecutive bases within chrX:38,317,311-38,317,317 gives the same sequence; the c. name uses the placement nearest the transcript's 3' end. VCF-style (leftmost placement, unchanged base first): chrX-38317310-TCTTA-T. GRCh37 (hg19) VCF-style: chrX-38176563-TCTTA-T.
Other names: c.616+2_616+5del (NM_001367249.1); c.619+2_619+5del (NM_001367250.1, NM_001367245.1, NM_001367251.1 and 3 more transcripts); c.649+2_649+5del (NM_001367248.1).
Identifiers: ClinVar variation 1802310 (VCV001802310.7), dbSNP rs2519888486, ClinGen allele CA2580100807.